The following is an entry in ClinVar:

NM_002519.3(NPAT):c.1558A>G (p.Asn520Asp)

Gene: NPAT (nuclear protein, coactivator of histone transcription; minus strand). Cytogenetic location: 11q22.3.
Variant type: single nucleotide variant.
Coding change: c.1558A>G on transcript NM_002519.3 (MANE Select); coding-DNA position 1558, A replaced by G.
Protein change: p.Asn520Asp; replaces asparagine 520 with aspartic acid.
Molecular consequence: missense variant.
Genome position (GRCh38, 1-based): chr11:108,173,426, T>C on the plus strand (A>G on the coding strand, the complement: NPAT is on the minus strand). VCF-style: chr11-108173426-T-C. GRCh37 (hg19) VCF-style: chr11-108044153-T-C.
Other names: c.1558A>G, p.Asn520Asp (NM_001321307.1); short protein forms N520D.
Identifiers: ClinVar variation 1775194 (VCV001775194.2), dbSNP rs2496720871, ClinGen allele CA382514876.

ClinVar aggregate classification (germline): Uncertain significance (1 of 4 stars; one submission).

Submission:

Ambry Genetics
Classification: Uncertain significance. Last evaluated: 2021-12-08. Review status: criteria provided, single submitter. Criteria: Ambry Variant Classification Scheme 2023. Collection method: clinical testing. Allele origin: germline.
Comment: The p.N520D variant (also known as c.1558A>G), located in coding exon 13 of the NPAT gene, results from an A to G substitution at nucleotide position 1558. The asparagine at codon 520 is replaced by aspartic acid, an amino acid with highly similar properties. This amino acid position is conserved. In addition, this alteration is predicted to be tolerated by in silico analysis. Since supporting evidence is limited at this time, the clinical significance of this alteration remains unclear.